The following is an entry in ClinVar:

NM_001256627.2(BRSK2):c.822G>T (p.Lys274Asn)

Gene: BRSK2 (BR serine/threonine kinase 2; plus strand). Cytogenetic location: 11p15.5.
Variant type: single nucleotide variant.
Coding change: c.822G>T on transcript NM_001256627.2 (MANE Select); coding-DNA position 822, G replaced by T.
Protein change: p.Lys274Asn; replaces lysine 274 with asparagine.
Molecular consequence: missense variant. On other transcripts: non-coding transcript variant (1).
Genome position (GRCh38, 1-based): chr11:1,445,303, G>T. VCF-style: chr11-1445303-G-T. GRCh37 (hg19) VCF-style: chr11-1466533-G-T.
Other names: c.822G>T, p.Lys274Asn (NM_001256629.2, NM_003957.4); c.960G>T, p.Lys320Asn (NM_001256630.1); c.642G>T, p.Lys214Asn (NM_001282218.2); short protein forms K320N, K214N, K274N.
Identifiers: ClinVar variation 2304727 (VCV002304727.2), dbSNP rs2539538300, ClinGen allele CA379060210.

ClinVar aggregate classification (germline): Uncertain significance (1 of 4 stars; one submission).

Conditions:
Inborn genetic diseases. Identifiers: MedGen C0950123, MeSH D030342.

Submission:

Ambry Genetics
Classification: Uncertain significance for Inborn genetic diseases. Last evaluated: 2022-09-13. Review status: criteria provided, single submitter. Criteria: Ambry Variant Classification Scheme 2023. Collection method: clinical testing. Allele origin: germline.
Comment: The c.822G>T (p.K274N) alteration is located in exon 10 (coding exon 10) of the BRSK2 gene. This alteration results from a G to T substitution at nucleotide position 822, causing the lysine (K) at amino acid position 274 to be replaced by an asparagine (N). This variant was not reported in population-based cohorts in the Genome Aggregation Database (gnomAD). This amino acid position is highly conserved in available vertebrate species. This alteration is predicted to be tolerated by in silico analysis. Based on insufficient or conflicting evidence, the clinical significance of this alteration remains unclear.